The following is an entry in ClinVar:

ClinVar aggregate classification (germline): Uncertain significance (1 of 4 stars; one submission).

gnomAD v4.1: 1 of 1,596,716 alleles (0.000063%); highest among the groups gnomAD compares: Non-Finnish European, 0.000085%; no homozygotes.

Submission:

Labcorp Genetics (formerly Invitae), Labcorp
Classification: Uncertain significance. Last evaluated: 2024-10-16. Review status: criteria provided, single submitter. Criteria: Invitae Variant Classification Sherloc (09022015). Collection method: clinical testing. Allele origin: germline.
Comment: This sequence change falls in intron 6 of the ARID1B gene. It does not directly change the encoded amino acid sequence of the ARID1B protein. It affects a nucleotide within the consensus splice site. This variant is not present in population databases (gnomAD no frequency). This variant has not been reported in the literature in individuals affected with ARID1B-related conditions. Variants that disrupt the consensus splice site are a relatively common cause of aberrant splicing (PMID: 17576681, 9536098). Algorithms developed to predict the effect of sequence changes on RNA splicing suggest that this variant is not likely to affect RNA splicing. In summary, the available evidence is currently insufficient to determine the role of this variant in disease. Therefore, it has been classified as a Variant of Uncertain Significance.

Literature cited by the submitters: PubMed 17576681; PubMed 9536098.

NM_001374828.1(ARID1B):c.2491+6T>C

Gene: ARID1B (AT-rich interaction domain 1B; plus strand). Cytogenetic location: 6q25.3.
Variant type: single nucleotide variant.
Coding change: c.2491+6T>C on transcript NM_001374828.1 (MANE Select); 6 bases into the intron after coding-DNA position 2491, T replaced by C.
Molecular consequence: intron variant.
Genome position (GRCh38, 1-based): chr6:157,084,911, T>C. VCF-style: chr6-157084911-T-C. GRCh37 (hg19) VCF-style: chr6-157406045-T-C.
Other names: c.2530+6T>C (NM_001371656.1, NM_001374820.1); c.2491+6T>C (NM_017519.3); c.-9+6T>C (NM_001363725.2).
Identifiers: ClinVar variation 3723077 (VCV003723077.2).